The following is an entry in ClinVar:

ClinVar aggregate classification (germline): Likely benign (1 of 4 stars; one submission).

Allele frequency attached by ClinVar (database versions not stated): ExAC 0.00002; gnomAD 0.00002; TOPMed 0.00002; gnomAD exomes 0.00001.
gnomAD v4.1: 13 of 1,613,894 alleles (0.00081%); highest among the groups gnomAD compares: African/African-American, 0.0053%; no homozygotes.

Submission:

CeGaT Center for Human Genetics Tuebingen
Classification: Likely benign. Last evaluated: 2022-10-01. Review status: criteria provided, single submitter. Criteria: CeGaT Center For Human Genetics Tuebingen Variant Classification Criteria Version 2. Collection method: clinical testing. Allele origin: germline. Affected: yes. Observed: 1 variant allele.
Comment: ERN2: BP4, BP7

NM_033266.4(ERN2):c.1803C>T (p.Tyr601=)

Gene: ERN2 (endoplasmic reticulum to nucleus signaling 2; minus strand). Cytogenetic location: 16p12.2.
Variant type: single nucleotide variant.
Coding change: c.1803C>T on transcript NM_033266.4 (MANE Select); coding-DNA position 1803, C replaced by T.
Protein change: p.Tyr601=; no amino-acid change (tyrosine 601 retained).
Molecular consequence: synonymous variant.
Genome position (GRCh38, 1-based): chr16:23,695,116, G>A on the plus strand (C>T on the coding strand, the complement: ERN2 is on the minus strand). VCF-style: chr16-23695116-G-A. GRCh37 (hg19) VCF-style: chr16-23706437-G-A.
Other names: c.1647C>T, p.Tyr549= (NM_001308220.2).
Identifiers: ClinVar variation 2646327 (VCV002646327.24), dbSNP rs771033285, ClinGen allele CA7965027.